The following is an entry in ClinVar:

NM_005450.6(NOG):c.127C>G (p.Leu43Val)

Gene: NOG (noggin; plus strand). Cytogenetic location: 17q22.
Variant type: single nucleotide variant.
Coding change: c.127C>G on transcript NM_005450.6 (MANE Select); coding-DNA position 127, C replaced by G.
Protein change: p.Leu43Val; replaces leucine 43 with valine.
Molecular consequence: missense variant.
Genome position (GRCh38, 1-based): chr17:56,594,350, C>G. VCF-style: chr17-56594350-C-G. GRCh37 (hg19) VCF-style: chr17-54671711-C-G.
Other names: c.127C>G (NM_005450.4); short protein forms L43V.
Identifiers: ClinVar variation 1933197 (VCV001933197.6), dbSNP rs372535983, ClinGen allele CA8663138.
Genomic context (GRCh38, chr17:56,594,350, plus strand): 5'-ACACCGGCCGGCGGCCAGCACTATCTCCACATCCGCCCGGCACCCAGCGACAACCTGCCC[C>G]TGGTGGACCTCATCGAACACCCAGACCCTATCTTTGACCCCAAGGAAAAGGATCTGAACG-3'
Protein context (NP_005441.1, residues 33-53): IRPAPSDNLP[Leu43Val]VDLIEHPDPI

ClinVar aggregate classification (germline): Uncertain significance. Review status: criteria provided, multiple submitters, no conflicts (2 of 4 stars). 2 submissions from 2 submitters: Uncertain significance (2). Last evaluated 2025-05-06.

Conditions:
Inborn genetic diseases. Identifiers: MedGen C0950123, MeSH D030342.

Allele frequency attached by ClinVar (database versions not stated): ExAC 0.00002; ESP Exome Variant Server 0.00008.

Submissions (2):

Ambry Genetics
Classification: Uncertain significance for Inborn genetic diseases. Last evaluated: 2025-05-06. Review status: criteria provided, single submitter. Criteria: Ambry Variant Classification Scheme 2023. Collection method: clinical testing. Allele origin: germline.

Labcorp Genetics (formerly Invitae), Labcorp
Classification: Uncertain significance. Last evaluated: 2024-04-09. Review status: criteria provided, single submitter. Criteria: Invitae Variant Classification Sherloc (09022015). Collection method: clinical testing. Allele origin: germline.
Comment: This sequence change replaces leucine, which is neutral and non-polar, with valine, which is neutral and non-polar, at codon 43 of the NOG protein (p.Leu43Val). This variant is present in population databases (rs372535983, gnomAD 0.04%). This variant has not been reported in the literature in individuals affected with NOG-related conditions. ClinVar contains an entry for this variant (Variation ID: 1933197). An algorithm developed to predict the effect of missense changes on protein structure and function (PolyPhen-2) suggests that this variant is likely to be tolerated. In summary, the available evidence is currently insufficient to determine the role of this variant in disease. Therefore, it has been classified as a Variant of Uncertain Significance.